The following is an entry in ClinVar:

NC_000009.11:g.(?_140036455)_(140040364_?)dup

Gene: GRIN1 (glutamate ionotropic receptor NMDA type subunit 1; plus strand). Cytogenetic location: 9q34.3.
Variant type: Duplication.
Identifiers: ClinVar variation 3245248 (VCV003245248.1).

ClinVar aggregate classification (germline): Uncertain significance (1 of 4 stars; one submission).

Conditions:
Neurodevelopmental disorder with or without hyperkinetic movements and seizures, autosomal dominant. Also called: Intellectual disability, autosomal dominant 8. Identifiers: MedGen C3280282, MONDO:0013655, OMIM 614254.

Submission:

Labcorp Genetics (formerly Invitae), Labcorp
Classification: Uncertain significance for Neurodevelopmental disorder with or without hyperkinetic movements and seizures, autosomal dominant. Last evaluated: 2022-03-19. Review status: criteria provided, single submitter. Criteria: Invitae Variant Classification Sherloc (09022015). Collection method: clinical testing. Allele origin: unknown.
Comment: In summary, the available evidence is currently insufficient to determine the role of this variant in disease. Therefore, it has been classified as a Variant of Uncertain Significance. Experimental studies and prediction algorithms are not available or were not evaluated, and the functional significance of this variant is currently unknown. A similar copy number variant has been observed in individual(s) with clinical features of developmental and epileptic encephalopathy (Invitae). This variant results in a copy number gain of the genomic region encompassing exon(s) 2-3 of the GRIN1 gene. While the exact position of this variant cannot be determined from the data, sub-genic copy number gains are generally in tandem (PMID: 25640679). This variant is predicted to be in-frame, and likely preserves the integrity of the reading frame.

Literature cited by the submitters: PubMed 25640679.